The following is an entry in ClinVar:

ClinVar aggregate classification (germline): Uncertain significance (1 of 4 stars; one submission).

gnomAD v4.1: 2 of 1,211,378 alleles (0.00017%); highest among the groups gnomAD compares: African/African-American, 0.0017%; no homozygotes.

Submission:

Ambry Genetics
Classification: Uncertain significance. Last evaluated: 2025-11-24. Review status: criteria provided, single submitter. Criteria: Ambry Variant Classification Scheme 2023. Collection method: clinical testing. Allele origin: germline.
Comment: The c.131C>A (p.A44E) alteration is located in exon 5 (coding exon 1) of the GPRASP2 gene. This alteration results from a C to A substitution at nucleotide position 131, causing the alanine (A) at amino acid position 44 to be replaced by a glutamic acid (E). Based on data from gnomAD, the A allele has an overall frequency of <0.001% (1/183492) total alleles studied. The highest observed frequency was 0.008% (1/13161) of African alleles. Based on insufficient or conflicting evidence, the clinical significance of this alteration remains unclear.

NM_001004051.4(GPRASP2):c.131C>A (p.Ala44Glu)

Genes: ARMCX5-GPRASP2 (ARMCX5-GPRASP2 readthrough; plus strand), GPRASP2 (G protein-coupled receptor associated sorting protein 2; plus strand). Cytogenetic location: Xq22.1.
Variant type: single nucleotide variant.
Coding change: c.131C>A on transcript NM_001004051.4 (MANE Select); coding-DNA position 131, C replaced by A.
Protein change: p.Ala44Glu; replaces alanine 44 with glutamic acid.
Molecular consequence: missense variant. On other transcripts: intron variant (3).
Genome position (GRCh38, 1-based): chrX:102,715,000, C>A. VCF-style: chrX-102715000-C-A. GRCh37 (hg19) VCF-style: chrX-101969928-C-A.
Other names: c.131C>A, p.Ala44Glu (NM_001199818.1, NM_001184874.3, NM_001184875.3 and 2 more transcripts); c.-820+734C>A (NM_001350268.2); c.-752+734C>A (NM_001350269.2); c.-721+734C>A (NM_001350270.1); short protein forms A44E.
Identifiers: ClinVar variation 4673485 (VCV004673485.1).